The following is an entry in ClinVar:

ClinVar aggregate classification (germline): Likely benign (1 of 4 stars; one submission).

Submission:

Women's Health and Genetics/Laboratory Corporation of America, LabCorp
Classification: Likely benign. Last evaluated: 2025-06-02. Review status: criteria provided, single submitter. Criteria: LabCorp Variant Classification Summary - May 2015. Collection method: clinical testing. Allele origin: germline.
Comment: Variant summary: MARS1 c.550C>A results in a synonymous change. Consensus agreement among computation tools predict no significant impact on normal splicing. However, these predictions have yet to be confirmed by functional studies. The variant was absent in 1613650 control chromosomes. The available data on variant occurrences in the general population are insufficient to allow any conclusion about variant significance. To our knowledge, no occurrence of c.550C>A in individuals affected with Severe early-onset pulmonary alveolar proteinosis due to MARS deficiency and no experimental evidence demonstrating its impact on protein function have been reported. No submitters have cited clinical-significance assessments for this variant to ClinVar. Based on the evidence outlined above, the variant was classified as likely benign.

NM_004990.4(MARS1):c.550C>A (p.Arg184=)

Gene: MARS1 (methionyl-tRNA synthetase 1; plus strand). Cytogenetic location: 12q13.3.
Variant type: single nucleotide variant.
Coding change: c.550C>A on transcript NM_004990.4 (MANE Select); coding-DNA position 550, C replaced by A.
Protein change: p.Arg184=; no amino-acid change (arginine 184 retained).
Molecular consequence: synonymous variant.
Genome position (GRCh38, 1-based): chr12:57,490,266, C>A. VCF-style: chr12-57490266-C-A. GRCh37 (hg19) VCF-style: chr12-57884049-C-A.
Identifiers: ClinVar variation 3907461 (VCV003907461.1).